The following is an entry in ClinVar:

ClinVar aggregate classification (germline): Likely benign (1 of 4 stars; one submission).

Submission:

CeGaT Center for Human Genetics Tuebingen
Classification: Likely benign. Last evaluated: 2025-04-01. Review status: criteria provided, single submitter. Criteria: CeGaT Center For Human Genetics Tuebingen Variant Classification Criteria Version 2. Collection method: clinical testing. Allele origin: germline. Affected: yes. Observed: 2 variant alleles.
Comment: AHNAK2: BP4, BP7

NM_138420.4(AHNAK2):c.12465C>G (p.Ser4155=)

Gene: AHNAK2 (AHNAK nucleoprotein 2; minus strand). Cytogenetic location: 14q32.33.
Variant type: single nucleotide variant.
Coding change: c.12465C>G on transcript NM_138420.4 (MANE Select); coding-DNA position 12465, C replaced by G.
Protein change: p.Ser4155=; no amino-acid change (serine 4155 retained).
Molecular consequence: synonymous variant.
Genome position (GRCh38, 1-based): chr14:104,942,986, G>C on the plus strand (C>G on the coding strand, the complement: AHNAK2 is on the minus strand). VCF-style: chr14-104942986-G-C. GRCh37 (hg19) VCF-style: chr14-105409323-G-C.
Other names: c.12165C>G, p.Ser4055= (NM_001350929.2).
Identifiers: ClinVar variation 3388505 (VCV003388505.14).